The following is an entry in ClinVar:

NM_182972.3(IRF2BP2):c.635C>G (p.Ser212Cys)

Genes: IRF2BP2 (interferon regulatory factor 2 binding protein 2; minus strand), LOC129932811 (ATAC-STARR-seq lymphoblastoid silent region 1976; plus strand). Cytogenetic location: 1q42.3.
Variant type: single nucleotide variant.
Coding change: c.635C>G on transcript NM_182972.3 (MANE Select); coding-DNA position 635, C replaced by G.
Protein change: p.Ser212Cys; replaces serine 212 with cysteine.
Molecular consequence: missense variant.
Genome position (GRCh38, 1-based): chr1:234,608,860, G>C on the plus strand (C>G on the coding strand, the complement: IRF2BP2 is on the minus strand). VCF-style: chr1-234608860-G-C. GRCh37 (hg19) VCF-style: chr1-234744606-G-C.
Other names: c.635C>G, p.Ser212Cys (NM_001077397.1); short protein forms S212C.
Identifiers: ClinVar variation 2156475 (VCV002156475.5), dbSNP rs1048225903, ClinGen allele CA39546416.

ClinVar aggregate classification (germline): Uncertain significance. Review status: criteria provided, multiple submitters, no conflicts (2 of 4 stars). 2 submissions from 2 submitters: Uncertain significance (2). Last evaluated 2025-10-26.

Allele frequency attached by ClinVar (database versions not stated): gnomAD 0.00003.
gnomAD v4.1: 65 of 1,323,310 alleles (0.0049%); highest among the groups gnomAD compares: Non-Finnish European, 0.0057%; no homozygotes.

Submissions (2):

Labcorp Genetics (formerly Invitae), Labcorp
Classification: Uncertain significance. Last evaluated: 2025-10-26. Review status: criteria provided, single submitter. Criteria: Invitae Variant Classification Sherloc (09022015). Collection method: clinical testing. Allele origin: germline.
Comment: This sequence change replaces serine, which is neutral and polar, with cysteine, which is neutral and slightly polar, at codon 212 of the IRF2BP2 protein (p.Ser212Cys). This variant is present in population databases (no rsID available, gnomAD 0.01%). This variant has not been reported in the literature in individuals affected with IRF2BP2-related conditions. ClinVar contains an entry for this variant (Variation ID: 2156475). An algorithm developed to predict the effect of missense changes on protein structure and function (PolyPhen-2) suggests that this variant is likely to be tolerated. In summary, the available evidence is currently insufficient to determine the role of this variant in disease. Therefore, it has been classified as a Variant of Uncertain Significance.

Blueprint Genetics
Classification: Uncertain significance. Last evaluated: 2022-12-27. Review status: criteria provided, single submitter. Criteria: ACMG Guidelines, 2015. Collection method: clinical testing. Allele origin: germline.